The following is an entry in ClinVar:

ClinVar aggregate classification (germline): Pathogenic (1 of 4 stars; one submission).

Allele frequency attached by ClinVar (database versions not stated): gnomAD exomes below 0.00001.
gnomAD v4.1: 4 of 1,613,898 alleles (0.00025%); highest among the groups gnomAD compares: Non-Finnish European, 0.00034%; no homozygotes.

Submission:

Labcorp Genetics (formerly Invitae), Labcorp
Classification: Pathogenic. Last evaluated: 2025-08-21. Review status: criteria provided, single submitter. Criteria: Invitae Variant Classification Sherloc (09022015). Collection method: clinical testing. Allele origin: germline.
Comment: This sequence change affects a donor splice site in intron 64 of the CDH23 gene. It is expected to disrupt RNA splicing. Variants that disrupt the donor or acceptor splice site typically lead to a loss of protein function (PMID: 16199547), and loss-of-function variants in CDH23 are known to be pathogenic (PMID: 11138009, 21940737). This variant is not present in population databases (gnomAD no frequency). Disruption of this splice site has been observed in individuals with clinical features of Usher syndrome (PMID: 32795431; internal data). ClinVar contains an entry for this variant (Variation ID: 1066661). Algorithms developed to predict the effect of sequence changes on RNA splicing suggest that this variant may disrupt the consensus splice site. For these reasons, this variant has been classified as Pathogenic.

Literature cited by the submitters: PubMed 16199547; PubMed 11138009; PubMed 21940737; PubMed 32795431.

NM_022124.6(CDH23):c.9278+2T>G

Gene: CDH23 (cadherin related 23; plus strand). Cytogenetic location: 10q22.1.
Variant type: single nucleotide variant.
Coding change: c.9278+2T>G on transcript NM_022124.6 (MANE Select); the canonical splice donor site of the intron after coding-DNA position 9278, T replaced by G.
Molecular consequence: splice donor variant.
Genome position (GRCh38, 1-based): chr10:71,811,592, T>G. VCF-style: chr10-71811592-T-G. GRCh37 (hg19) VCF-style: chr10-73571349-T-G.
Other names: c.2558+2T>G (NM_001171933.1, NM_001171934.1).
Identifiers: ClinVar variation 1066661 (VCV001066661.9), dbSNP rs2133002381, ClinGen allele CA377135522.